The following is an entry in ClinVar:

ClinVar aggregate classification (germline): Uncertain significance (1 of 4 stars; one submission).

Conditions:
Familial cancer of breast. Also called: hereditary breast carcinoma; BREAST CANCER, FAMILIAL; Hereditary breast cancer. Identifiers: Orphanet 227535, MedGen C0346153, MONDO:0016419, OMIM 114480. Disease mechanism: loss of function.

Submission:

Labcorp Genetics (formerly Invitae), Labcorp
Classification: Uncertain significance for Familial cancer of breast. Last evaluated: 2023-12-30. Review status: criteria provided, single submitter. Criteria: Invitae Variant Classification Sherloc (09022015). Collection method: clinical testing. Allele origin: germline.
Comment: This sequence change replaces aspartic acid, which is acidic and polar, with histidine, which is basic and polar, at codon 101 of the CHEK2 protein (p.Asp101His). This variant is not present in population databases (gnomAD no frequency). This variant has not been reported in the literature in individuals affected with CHEK2-related conditions. An algorithm developed to predict the effect of missense changes on protein structure and function (PolyPhen-2) suggests that this variant is likely to be tolerated. In summary, the available evidence is currently insufficient to determine the role of this variant in disease. Therefore, it has been classified as a Variant of Uncertain Significance.

NM_007194.4(CHEK2):c.301G>C (p.Asp101His)

Gene: CHEK2 (checkpoint kinase 2; minus strand). Cytogenetic location: 22q12.1.
Variant type: single nucleotide variant.
Coding change: c.301G>C on transcript NM_007194.4 (MANE Select); coding-DNA position 301, G replaced by C.
Protein change: p.Asp101His; replaces aspartic acid 101 with histidine.
Molecular consequence: missense variant.
Genome position (GRCh38, 1-based): chr22:28,734,421, C>G on the plus strand (G>C on the coding strand, the complement: CHEK2 is on the minus strand). VCF-style: chr22-28734421-C-G. GRCh37 (hg19) VCF-style: chr22-29130409-C-G.
Other names: c.-477G>C (NM_001257387.3); c.301G>C, p.Asp101His (NM_001349956.3, NM_145862.3, NM_001005735.3); short protein forms D101H.
Identifiers: ClinVar variation 2772392 (VCV002772392.3), dbSNP rs786203283, ClinGen allele CA411090262.